The following is an entry in ClinVar:

ClinVar aggregate classification (germline): Uncertain significance. Review status: criteria provided, multiple submitters, no conflicts (2 of 4 stars). 2 submissions from 2 submitters: Uncertain significance (2). Last evaluated 2024-12-16.

Conditions:
Donnai-Barrow syndrome. Also called: DBS/FOAR SYNDROME; FACIOOCULOACOUSTICORENAL SYNDROME. Identifiers: Orphanet 2143, MedGen C1857277, MONDO:0009104, OMIM 222448.

Allele frequency attached by ClinVar (database versions not stated): TOPMed 0.00003; 1000 Genomes Project 0.00020; 1000 Genomes Project 30x 0.00031; gnomAD exomes 0.00001; ExAC 0.00002; gnomAD 0.00003.
gnomAD v4.1: 14 of 1,613,888 alleles (0.00087%); highest among the groups gnomAD compares: African/African-American, 0.012%; no homozygotes.

Submissions (2):

Labcorp Genetics (formerly Invitae), Labcorp
Classification: Uncertain significance. Last evaluated: 2024-12-16. Review status: criteria provided, single submitter. Criteria: Invitae Variant Classification Sherloc (09022015). Collection method: clinical testing. Allele origin: germline.
Comment: This sequence change replaces serine, which is neutral and polar, with glycine, which is neutral and non-polar, at codon 3807 of the LRP2 protein (p.Ser3807Gly). This variant is present in population databases (rs571830028, gnomAD 0.01%). This variant has not been reported in the literature in individuals affected with LRP2-related conditions. ClinVar contains an entry for this variant (Variation ID: 1501128). Invitae Evidence Modeling of protein sequence and biophysical properties (such as structural, functional, and spatial information, amino acid conservation, physicochemical variation, residue mobility, and thermodynamic stability) indicates that this missense variant is expected to disrupt LRP2 protein function with a positive predictive value of 80%. Algorithms developed to predict the effect of sequence changes on RNA splicing suggest that this variant may create or strengthen a splice site. In summary, the available evidence is currently insufficient to determine the role of this variant in disease. Therefore, it has been classified as a Variant of Uncertain Significance.

Fulgent Genetics
Classification: Uncertain significance for Donnai-Barrow syndrome. Last evaluated: 2022-01-10. Review status: criteria provided, single submitter. Criteria: ACMG Guidelines, 2015. Collection method: clinical testing. Allele origin: unknown.

NM_004525.3(LRP2):c.11419A>G (p.Ser3807Gly)

Gene: LRP2 (LDL receptor related protein 2; minus strand). Cytogenetic location: 2q31.1.
Variant type: single nucleotide variant.
Coding change: c.11419A>G on transcript NM_004525.3 (MANE Select); coding-DNA position 11419, A replaced by G.
Protein change: p.Ser3807Gly; replaces serine 3807 with glycine.
Molecular consequence: missense variant.
Genome position (GRCh38, 1-based): chr2:169,169,780, T>C on the plus strand (A>G on the coding strand, the complement: LRP2 is on the minus strand). VCF-style: chr2-169169780-T-C. GRCh37 (hg19) VCF-style: chr2-170026290-T-C.
Other names: short protein forms S3807G.
Identifiers: ClinVar variation 1501128 (VCV001501128.5), dbSNP rs571830028, ClinGen allele CA1953078.
Genomic context (GRCh38, chr2:169,169,780, plus strand): 5'-ACGCATCCAAACAGTCAGCGGATCCATCGCATTTCAGTTCACTGTGTACACAATGTCCAC[T>C]TGTACACTGAAAATATTCAGGATGGCAGGTCCTCATCTCTGAAGAGAAAAGATTGTCATT-3'
Protein context (NP_004516.2, residues 3797-3817): TCHPEYFQCT[Ser3807Gly]GHCVHSELKC